The following is an entry in ClinVar:

ClinVar aggregate classification (germline): Uncertain significance. Review status: criteria provided, multiple submitters, no conflicts (2 of 4 stars). 2 submissions from 2 submitters: Uncertain significance (2). Last evaluated 2022-09-27.

Conditions:
Hereditary cancer-predisposing syndrome. Also called: Tumor predisposition; Hereditary neoplastic syndrome; Hereditary Cancer Syndrome; Neoplastic Syndromes, Hereditary. Identifiers: Orphanet 140162, MedGen C0027672, MeSH D009386, MONDO:0015356.

gnomAD v4.1: 1 of 1,614,132 alleles (0.000062%); no homozygotes.

Submissions (2):

Labcorp Genetics (formerly Invitae), Labcorp
Classification: Uncertain significance for Hereditary cancer-predisposing syndrome. Last evaluated: 2022-09-27. Review status: criteria provided, single submitter. Criteria: Invitae Variant Classification Sherloc (09022015). Collection method: clinical testing. Allele origin: germline.
Comment: ClinVar contains an entry for this variant (Variation ID: 937884). This variant has not been reported in the literature in individuals affected with RAD50-related conditions. This variant is not present in population databases (gnomAD no frequency). This sequence change replaces aspartic acid, which is acidic and polar, with valine, which is neutral and non-polar, at codon 1168 of the RAD50 protein (p.Asp1168Val). In summary, the available evidence is currently insufficient to determine the role of this variant in disease. Therefore, it has been classified as a Variant of Uncertain Significance. Advanced modeling of protein sequence and biophysical properties (such as structural, functional, and spatial information, amino acid conservation, physicochemical variation, residue mobility, and thermodynamic stability) performed at Invitae indicates that this missense variant is expected to disrupt RAD50 protein function.

Ambry Genetics
Classification: Uncertain significance for Hereditary cancer-predisposing syndrome. Last evaluated: 2021-11-06. Review status: criteria provided, single submitter. Criteria: Ambry Variant Classification Scheme 2023. Collection method: clinical testing. Allele origin: germline.
Comment: The p.D1168V variant (also known as c.3503A>T), located in coding exon 23 of the RAD50 gene, results from an A to T substitution at nucleotide position 3503. The aspartic acid at codon 1168 is replaced by valine, an amino acid with highly dissimilar properties. This amino acid position is conserved. In addition, this alteration is predicted to be deleterious by in silico analysis. Since supporting evidence is limited at this time, the clinical significance of this alteration remains unclear.

NM_005732.4(RAD50):c.3503A>T (p.Asp1168Val)

Genes: TH2LCRR (T helper type 2 locus control region associated RNA; minus strand), TH2-LCR (Th2 cytokine locus control region; plus strand), RAD50 (RAD50 double strand break repair protein; plus strand). Cytogenetic location: 5q31.1.
Variant type: single nucleotide variant.
Coding change: c.3503A>T on transcript NM_005732.4 (MANE Select); coding-DNA position 3503, A replaced by T.
Protein change: p.Asp1168Val; replaces aspartic acid 1168 with valine.
Molecular consequence: missense variant. On other transcripts: non-coding transcript variant (2).
Genome position (GRCh38, 1-based): chr5:132,638,108, A>T. VCF-style: chr5-132638108-A-T. GRCh37 (hg19) VCF-style: chr5-131973800-A-T.
Other names: short protein forms D1168V.
Identifiers: ClinVar variation 937884 (VCV000937884.12), dbSNP rs764131107, ClinGen allele CA360931221.